The following is an entry in ClinVar:

NM_004820.5(CYP7B1):c.943A>G (p.Met315Val)

Gene: CYP7B1 (cytochrome P450 family 7 subfamily B member 1; minus strand). Cytogenetic location: 8q12.3.
Variant type: single nucleotide variant.
Coding change: c.943A>G on transcript NM_004820.5 (MANE Select); coding-DNA position 943, A replaced by G.
Protein change: p.Met315Val; replaces methionine 315 with valine.
Molecular consequence: missense variant.
Genome position (GRCh38, 1-based): chr8:64,615,140, T>C on the plus strand (A>G on the coding strand, the complement: CYP7B1 is on the minus strand). VCF-style: chr8-64615140-T-C. GRCh37 (hg19) VCF-style: chr8-65527697-T-C.
Other names: c.943A>G, p.Met315Val (NM_001324112.2); short protein forms M315V.
Identifiers: ClinVar variation 2162954 (VCV002162954.4), dbSNP rs757907697, ClinGen allele CA4764106.

ClinVar aggregate classification (germline): Uncertain significance (1 of 4 stars; one submission).

Conditions:
Spastic paraplegia. Identifiers: MedGen C0037772, HP:0001258.

Allele frequency attached by ClinVar (database versions not stated): gnomAD exomes below 0.00001; TOPMed below 0.00001; ExAC 0.00002.
gnomAD v4.1: 5 of 1,613,698 alleles (0.00031%); highest among the groups gnomAD compares: Admixed American, 0.0067%; no homozygotes.

Submission:

Labcorp Genetics (formerly Invitae), Labcorp
Classification: Uncertain significance for Spastic paraplegia. Last evaluated: 2024-05-15. Review status: criteria provided, single submitter. Criteria: Invitae Variant Classification Sherloc (09022015). Collection method: clinical testing. Allele origin: germline.
Comment: This sequence change replaces methionine, which is neutral and non-polar, with valine, which is neutral and non-polar, at codon 315 of the CYP7B1 protein (p.Met315Val). This variant is present in population databases (rs757907697, gnomAD 0.009%). This variant has not been reported in the literature in individuals affected with CYP7B1-related conditions. ClinVar contains an entry for this variant (Variation ID: 2162954). Advanced modeling of protein sequence and biophysical properties (such as structural, functional, and spatial information, amino acid conservation, physicochemical variation, residue mobility, and thermodynamic stability) performed at Invitae indicates that this missense variant is not expected to disrupt CYP7B1 protein function with a negative predictive value of 80%. In summary, the available evidence is currently insufficient to determine the role of this variant in disease. Therefore, it has been classified as a Variant of Uncertain Significance.